The following is an entry in ClinVar:

ClinVar aggregate classification (germline): Pathogenic/Likely pathogenic. Review status: criteria provided, multiple submitters, no conflicts (2 of 4 stars). 4 submissions from 4 submitters: Pathogenic (3); Likely pathogenic (1). Last evaluated 2024-01-06.

Conditions:
Hereditary cancer-predisposing syndrome. Also called: Neoplastic Syndromes, Hereditary; Tumor predisposition; Hereditary Cancer Syndrome; Hereditary neoplastic syndrome. Identifiers: Orphanet 140162, MedGen C0027672, MeSH D009386, MONDO:0015356.
Familial cancer of breast. Also called: BREAST CANCER, FAMILIAL; Hereditary breast cancer; hereditary breast carcinoma. Identifiers: Orphanet 227535, MedGen C0346153, MONDO:0016419, OMIM 114480. Disease mechanism: loss of function.
Hereditary diffuse gastric adenocarcinoma (HDGC). Also called: DIFFUSE GASTRIC AND LOBULAR BREAST CANCER SYNDROME. Identifiers: Orphanet 26106, MedGen C1708349, MONDO:0007648, OMIM 137215.

Submissions (4):

Labcorp Genetics (formerly Invitae), Labcorp
Classification: Pathogenic for Hereditary diffuse gastric adenocarcinoma. Last evaluated: 2024-01-06. Review status: criteria provided, single submitter. Criteria: Invitae Variant Classification Sherloc (09022015). Collection method: clinical testing. Allele origin: germline.
Comment: This sequence change creates a premature translational stop signal (p.Tyr190*) in the CDH1 gene. It is expected to result in an absent or disrupted protein product. Loss-of-function variants in CDH1 are known to be pathogenic (PMID: 15235021, 20373070). This variant is not present in population databases (gnomAD no frequency). This variant has not been reported in the literature in individuals affected with CDH1-related conditions. ClinVar contains an entry for this variant (Variation ID: 1749207). For these reasons, this variant has been classified as Pathogenic.

Myriad Genetics, Inc.
Classification: Pathogenic for Hereditary diffuse gastric adenocarcinoma. Last evaluated: 2023-06-09. Review status: criteria provided, single submitter. Criteria: Myriad Autosomal Dominant, Autosomal Recessive and X-Linked Classification Criteria (2023). Collection method: clinical testing. Allele origin: unknown.
Comment: This variant is considered pathogenic. This variant creates a termination codon and is predicted to result in premature protein truncation.

Baylor Genetics
Classification: Likely pathogenic for Familial cancer of breast. Last evaluated: 2022-09-21. Review status: criteria provided, single submitter. Criteria: ACMG Guidelines, 2015. Collection method: clinical testing. Allele origin: unknown.

Ambry Genetics
Classification: Pathogenic for Hereditary cancer-predisposing syndrome. Last evaluated: 2022-03-18. Review status: criteria provided, single submitter. Criteria: Ambry Variant Classification Scheme 2023. Collection method: clinical testing. Allele origin: germline.
Comment: The p.Y190* pathogenic mutation (also known as c.570C>G), located in coding exon 5 of the CDH1 gene, results from a C to G substitution at nucleotide position 570. This changes the amino acid from a tyrosine to a stop codon within coding exon 5. This variant is considered to be rare based on population cohorts in the Genome Aggregation Database (gnomAD). This alteration is expected to result in loss of function by premature protein truncation or nonsense-mediated mRNA decay. As such, this alteration is interpreted as a disease-causing mutation.

Literature cited by the submitters: PubMed 15235021 (cited by Labcorp Genetics (formerly Invitae), Labcorp); PubMed 20373070 (cited by Labcorp Genetics (formerly Invitae), Labcorp).

NM_004360.5(CDH1):c.570C>G (p.Tyr190Ter)

Gene: CDH1 (cadherin 1; plus strand). Cytogenetic location: 16q22.1.
Variant type: single nucleotide variant.
Coding change: c.570C>G on transcript NM_004360.5 (MANE Select); coding-DNA position 570, C replaced by G.
Protein change: p.Tyr190Ter; replaces tyrosine 190 with a stop codon.
Molecular consequence: nonsense. On other transcripts: 5 prime UTR variant (2).
Genome position (GRCh38, 1-based): chr16:68,808,731, C>G. VCF-style: chr16-68808731-C-G. GRCh37 (hg19) VCF-style: chr16-68842634-C-G.
Other names: c.570C>G, p.Tyr190Ter (NM_001317184.2); c.-1046C>G (NM_001317185.2); c.-1250C>G (NM_001317186.2); short protein forms Y190*.
Identifiers: ClinVar variation 1749207 (VCV001749207.8), dbSNP rs761753486, ClinGen allele CA396457926.